The following is an entry in ClinVar:

NM_020338.4(ZMIZ1):c.1876G>T (p.Ala626Ser)

Gene: ZMIZ1 (zinc finger MIZ-type containing 1; plus strand). Cytogenetic location: 10q22.3.
Variant type: single nucleotide variant.
Coding change: c.1876G>T on transcript NM_020338.4 (MANE Select); coding-DNA position 1876, G replaced by T.
Protein change: p.Ala626Ser; replaces alanine 626 with serine.
Molecular consequence: missense variant.
Genome position (GRCh38, 1-based): chr10:79,300,799, G>T. VCF-style: chr10-79300799-G-T. GRCh37 (hg19) VCF-style: chr10-81060556-G-T.
Other names: p.Ala626Ser; short protein forms A626S.
Identifiers: ClinVar variation 1707416 (VCV001707416.3), dbSNP rs541477708, ClinGen allele CA5572838.

ClinVar aggregate classification (germline): Benign (1 of 4 stars; one submission).

Conditions:
Neurodevelopmental disorder with dysmorphic facies and distal skeletal anomalies. Identifiers: MedGen C5231448, MONDO:0032855, OMIM 618659.

gnomAD v4.1: 23 of 1,613,820 alleles (0.0014%); highest among the groups gnomAD compares: South Asian, 0.019%; no homozygotes.

Submission:

Foundation for Research in Genetics and Endocrinology, FRIGE's Institute of Human Genetics
Classification: Benign for Neurodevelopmental disorder with dysmorphic facies and distal skeletal anomalies. Last evaluated: 2022-04-08. Review status: criteria provided, single submitter. Criteria: ACMG Guidelines, 2015. Collection method: clinical testing. Allele origin: germline. Inheritance: Autosomal dominant inheritance. Affected: yes. Observed: 1 heterozygote.
Comment: A heterozygous missense variation in exon 17 of the ZMIZ1 gene (chr10:g.79300799G>T; Depth: 181x) that results in the amino acid substitution of Serine for Alanine at codon 626 (p.Ala626Ser; ENST00000334512.10) was detected. The p.Ala626Ser variant has not been reported in the 1000 genomes database and has a minor allele frequency of 0.0007%, 0.01% in the gnomAD and our internal databases respectively. the in silico prediction of the variant are probably damaging by PolyPhen-2 (HumDiv) and damaging by LRT. The reference codon is conserved across species